The following is an entry in ClinVar:

ClinVar aggregate classification (germline): Likely benign. Review status: criteria provided, single submitter (1 of 4 stars). 2 submissions from 2 submitters: Likely benign (1). 1 of the submissions does not count toward it. Last evaluated 2025-05-22.

Conditions:
BCL11B-related disorder. Also called: BCL11B-Related Disorders.

Allele frequency attached by ClinVar (database versions not stated): ExAC 0.00001; gnomAD 0.00001; gnomAD exomes 0.00001 and 0.00002; TOPMed 0.00002.
gnomAD v4.1: 23 of 1,595,968 alleles (0.0014%); highest among the groups gnomAD compares: Middle Eastern, 0.017%; no homozygotes.

Submissions (2):

Labcorp Genetics (formerly Invitae), Labcorp
Classification: Likely benign. Last evaluated: 2025-05-22. Review status: criteria provided, single submitter. Criteria: Invitae Variant Classification Sherloc (09022015). Collection method: clinical testing. Allele origin: germline.

PreventionGenetics, part of Exact Sciences
Classification: Likely benign for BCL11B-related condition. Last evaluated: 2020-09-22. Review status: no assertion criteria provided. Collection method: clinical testing. Allele origin: germline. Not counted in ClinVar's aggregate classification.
Comment: This variant is classified as likely benign based on ACMG/AMP sequence variant interpretation guidelines (Richards et al. 2015 PMID: 25741868, with internal and published modifications).

NM_138576.4(BCL11B):c.1698C>T (p.Arg566=)

Gene: BCL11B (BCL11 transcription factor B; minus strand). Cytogenetic location: 14q32.2.
Variant type: single nucleotide variant.
Coding change: c.1698C>T on transcript NM_138576.4 (MANE Select); coding-DNA position 1698, C replaced by T.
Protein change: p.Arg566=; no amino-acid change (arginine 566 retained).
Molecular consequence: synonymous variant.
Genome position (GRCh38, 1-based): chr14:99,175,138, G>A on the plus strand (C>T on the coding strand, the complement: BCL11B is on the minus strand). VCF-style: chr14-99175138-G-A. GRCh37 (hg19) VCF-style: chr14-99641475-G-A.
Other names: c.1485C>T (NM_022898.2); c.1695C>T, p.Arg565= (NM_001282237.2); c.1482C>T, p.Arg494= (NM_001282238.2); c.1485C>T, p.Arg495= (NM_022898.3).
Identifiers: ClinVar variation 1024853 (VCV001024853.8), dbSNP rs777922532, ClinGen allele CA7339626.